The following is an entry in ClinVar:

NM_006904.7(PRKDC):c.11796G>T (p.Met3932Ile)

Gene: PRKDC (protein kinase, DNA-activated, catalytic subunit; minus strand). Cytogenetic location: 8q11.21.
Variant type: single nucleotide variant.
Coding change: c.11796G>T on transcript NM_006904.7 (MANE Select); coding-DNA position 11796, G replaced by T.
Protein change: p.Met3932Ile; replaces methionine 3932 with isoleucine.
Molecular consequence: missense variant.
Genome position (GRCh38, 1-based): chr8:47,778,516, C>A on the plus strand (G>T on the coding strand, the complement: PRKDC is on the minus strand). VCF-style: chr8-47778516-C-A. GRCh37 (hg19) VCF-style: chr8-48691077-C-A.
Other names: c.11703G>T, p.Met3901Ile (NM_001081640.2); short protein forms M3901I, M3932I.
Identifiers: ClinVar variation 3425349 (VCV003425349.1).

ClinVar aggregate classification (germline): Uncertain significance (1 of 4 stars; one submission).

Submission:

Ambry Genetics
Classification: Uncertain significance. Last evaluated: 2024-10-08. Review status: criteria provided, single submitter. Criteria: Ambry Variant Classification Scheme 2023. Collection method: clinical testing. Allele origin: germline.
Comment: The p.M3932I variant (also known as c.11796G>T), located in coding exon 83 of the PRKDC gene, results from a G to T substitution at nucleotide position 11796. The methionine at codon 3932 is replaced by isoleucine, an amino acid with highly similar properties. This amino acid position is conserved. In addition, this alteration is predicted to be deleterious by in silico analysis. Based on the available evidence, the clinical significance of this variant remains unclear.